The following is an entry in ClinVar:

ClinVar aggregate classification (germline): Uncertain significance (1 of 4 stars; one submission).

gnomAD v4.1: 4 of 1,613,852 alleles (0.00025%); highest among the groups gnomAD compares: Admixed American, 0.005%; no homozygotes.

Submission:

Labcorp Genetics (formerly Invitae), Labcorp
Classification: Uncertain significance. Last evaluated: 2022-10-13. Review status: criteria provided, single submitter. Criteria: Invitae Variant Classification Sherloc (09022015). Collection method: clinical testing. Allele origin: germline.
Comment: This sequence change replaces proline, which is neutral and non-polar, with threonine, which is neutral and polar, at codon 69 of the COL27A1 protein (p.Pro69Thr). This variant is not present in population databases (gnomAD no frequency). This variant has not been reported in the literature in individuals affected with COL27A1-related conditions. Advanced modeling of protein sequence and biophysical properties (such as structural, functional, and spatial information, amino acid conservation, physicochemical variation, residue mobility, and thermodynamic stability) performed at Invitae indicates that this missense variant is not expected to disrupt COL27A1 protein function. In summary, the available evidence is currently insufficient to determine the role of this variant in disease. Therefore, it has been classified as a Variant of Uncertain Significance.

NM_032888.4(COL27A1):c.205C>A (p.Pro69Thr)

Gene: COL27A1 (collagen type XXVII alpha 1 chain; plus strand). Cytogenetic location: 9q32.
Variant type: single nucleotide variant.
Coding change: c.205C>A on transcript NM_032888.4 (MANE Select); coding-DNA position 205, C replaced by A.
Protein change: p.Pro69Thr; replaces proline 69 with threonine.
Molecular consequence: missense variant.
Genome position (GRCh38, 1-based): chr9:114,167,760, C>A. VCF-style: chr9-114167760-C-A. GRCh37 (hg19) VCF-style: chr9-116930040-C-A.
Other names: short protein forms P69T.
Identifiers: ClinVar variation 1350527 (VCV001350527.3), dbSNP rs1848992758, ClinGen allele CA374588667.
Genomic context (GRCh38, chr9:114,167,760, plus strand): 5'-CTCCAGCGGCTGGGCCTCAGCTGGACGAAGGCCGGGAGCCCTGCACCCCCGGGAGTCATT[C>A]CTTTCCAGTCGGGCTTCATCTTTACGCAGCGGGCCCGGCTCCAGGCTCCCACGGGCACCG-3'
Protein context (NP_116277.2, residues 59-79): AGSPAPPGVI[Pro69Thr]FQSGFIFTQR